The following is an entry in ClinVar:

ClinVar aggregate classification (germline): Uncertain significance. Review status: criteria provided, single submitter (1 of 4 stars). 2 submissions from 2 submitters: Uncertain significance (1). 1 of the submissions does not count toward it. Last evaluated 2023-10-05.

Conditions:
Familial sleep-related hypermotor epilepsy. Also called: Autosomal Dominant Sleep-Related Hypermotor (Hyperkinetic) Epilepsy. Identifiers: Orphanet 98784, MedGen C3696898, MONDO:0000030.
CHRNA2-related disorder. Also called: CHRNA2-related condition.

Allele frequency attached by ClinVar (database versions not stated): gnomAD exomes below 0.00001.
gnomAD v4.1: 1 of 1,613,280 alleles (0.000062%); highest among the groups gnomAD compares: Non-Finnish European, 0.000085%; no homozygotes.

Submissions (2):

Labcorp Genetics (formerly Invitae), Labcorp
Classification: Uncertain significance. Last evaluated: 2023-10-05. Review status: criteria provided, single submitter. Criteria: Invitae Variant Classification Sherloc (09022015). Collection method: clinical testing. Allele origin: germline.
Comment: This sequence change replaces valine, which is neutral and non-polar, with alanine, which is neutral and non-polar, at codon 146 of the CHRNA2 protein (p.Val146Ala). This variant is not present in population databases (gnomAD no frequency). This variant has not been reported in the literature in individuals affected with CHRNA2-related conditions. Advanced modeling of protein sequence and biophysical properties (such as structural, functional, and spatial information, amino acid conservation, physicochemical variation, residue mobility, and thermodynamic stability) has been performed at Invitae for this missense variant, however the output from this modeling did not meet the statistical confidence thresholds required to predict the impact of this variant on CHRNA2 protein function. In summary, the available evidence is currently insufficient to determine the role of this variant in disease. Therefore, it has been classified as a Variant of Uncertain Significance.

PreventionGenetics, part of Exact Sciences
Classification: Uncertain significance for CHRNA2-related condition. Last evaluated: 2024-09-18. Review status: no assertion criteria provided. Collection method: clinical testing. Allele origin: germline. Not counted in ClinVar's aggregate classification.
Comment: The CHRNA2 c.437T>C variant is predicted to result in the amino acid substitution p.Val146Ala. To our knowledge, this variant has not been reported in the literature or in a large population database, indicating this variant is rare. At this time, the clinical significance of this variant is uncertain due to the absence of conclusive functional and genetic evidence.

NM_000742.4(CHRNA2):c.437T>C (p.Val146Ala)

Gene: CHRNA2 (cholinergic receptor nicotinic alpha 2 subunit; minus strand). Cytogenetic location: 8p21.2.
Variant type: single nucleotide variant.
Coding change: c.437T>C on transcript NM_000742.4 (MANE Select); coding-DNA position 437, T replaced by C.
Protein change: p.Val146Ala; replaces valine 146 with alanine.
Molecular consequence: missense variant. On other transcripts: 5 prime UTR variant (4).
Genome position (GRCh38, 1-based): chr8:27,467,241, A>G on the plus strand (T>C on the coding strand, the complement: CHRNA2 is on the minus strand). VCF-style: chr8-27467241-A-G. GRCh37 (hg19) VCF-style: chr8-27324758-A-G.
Other names: c.437T>C (NM_000742.3); c.392T>C, p.Val131Ala (NM_001282455.2); c.-36T>C (NM_001347705.2, NM_001347706.2); c.-22T>C (NM_001347707.2); c.-25T>C (NM_001347708.2); short protein forms V146A, V131A.
Identifiers: ClinVar variation 2915460 (VCV002915460.4), dbSNP rs2490558541, ClinGen allele CA370812482.